The following is an entry in ClinVar:

NM_001042492.3(NF1):c.198C>A (p.Asn66Lys)

Gene: NF1 (neurofibromin 1; plus strand). Cytogenetic location: 17q11.2.
Variant type: single nucleotide variant.
Coding change: c.198C>A on transcript NM_001042492.3 (MANE Select); coding-DNA position 198, C replaced by A.
Protein change: p.Asn66Lys; replaces asparagine 66 with lysine.
Molecular consequence: missense variant.
Genome position (GRCh38, 1-based): chr17:31,156,120, C>A. VCF-style: chr17-31156120-C-A. GRCh37 (hg19) VCF-style: chr17-29483138-C-A.
Other names: c.198C>A, p.Asn66Lys (NM_000267.4, NM_001128147.3); short protein forms N66K.
Identifiers: ClinVar variation 4015776 (VCV004015776.1).

ClinVar aggregate classification (germline): Uncertain significance (1 of 4 stars; one submission).

Conditions:
Cardiovascular phenotype. Identifiers: MedGen CN230736.
Hereditary cancer-predisposing syndrome. Also called: Tumor predisposition; Hereditary neoplastic syndrome; Neoplastic Syndromes, Hereditary; Hereditary Cancer Syndrome. Identifiers: Orphanet 140162, MedGen C0027672, MeSH D009386, MONDO:0015356.

Submission:

Ambry Genetics
Classification: Uncertain significance for Cardiovascular phenotype; Hereditary cancer-predisposing syndrome. Last evaluated: 2025-03-24. Review status: criteria provided, single submitter. Criteria: Ambry Variant Classification Scheme 2023. Collection method: clinical testing. Allele origin: germline.
Comment: The p.N66K variant (also known as c.198C>A), located in coding exon 2 of the NF1 gene, results from a C to A substitution at nucleotide position 198. The asparagine at codon 66 is replaced by lysine, an amino acid with similar properties. This amino acid position is conserved. In addition, this alteration is predicted to be tolerated by in silico analysis. Based on the available evidence, the clinical significance of this variant remains unclear.